The following is an entry in ClinVar:

NM_002860.4(ALDH18A1):c.728T>A (p.Val243Asp)

Gene: ALDH18A1 (aldehyde dehydrogenase 18 family member A1; minus strand). Cytogenetic location: 10q24.1.
Variant type: single nucleotide variant.
Coding change: c.728T>A on transcript NM_002860.4 (MANE Select); coding-DNA position 728, T replaced by A.
Protein change: p.Val243Asp; replaces valine 243 with aspartic acid.
Molecular consequence: missense variant.
Genome position (GRCh38, 1-based): chr10:95,633,039, A>T on the plus strand (T>A on the coding strand, the complement: ALDH18A1 is on the minus strand). VCF-style: chr10-95633039-A-T. GRCh37 (hg19) VCF-style: chr10-97392796-A-T.
Other names: c.722T>A, p.Val241Asp (NM_001017423.2, NM_001323415.2); c.395T>A, p.Val132Asp (NM_001323412.2, NM_001323416.2); c.728T>A, p.Val243Asp (NM_001323413.2, NM_001323414.2); c.623T>A, p.Val208Asp (NM_001323417.2); c.389T>A, p.Val130Asp (NM_001323418.2); c.92T>A, p.Val31Asp (NM_001323419.2); short protein forms V243D, V130D, V132D, V241D, V208D, V31D.
Identifiers: ClinVar variation 521826 (VCV000521826.5), dbSNP rs1555262378, ClinGen allele CA377705099.
Genomic context (GRCh38, chr10:95,633,039, plus strand): 5'-ATCAAGAGATCAGTTTTCATTTCCACAGCCAGTCGGGCAGCCAGGCTATCATTATCTTTA[A>T]CACTAATAACCTAGAATGCAGATTAAAAAGTCATAAGTGAGTGAGCTAAGCAGTCCAAAA-3'
Protein context (NP_002851.2, residues 233-253): SDLQGVNVIS[Val243Asp]KDNDSLAARL

ClinVar aggregate classification (germline): Uncertain significance. Review status: criteria provided, multiple submitters, no conflicts (2 of 4 stars). 2 submissions from 2 submitters: Uncertain significance (2). Last evaluated 2023-07-24.

Conditions:
Inborn genetic diseases. Identifiers: MedGen C0950123, MeSH D030342.

Submissions (2):

GeneDx
Classification: Uncertain significance. Last evaluated: 2023-07-24. Review status: criteria provided, single submitter. Criteria: GeneDx Variant Classification Process June 2021. Collection method: clinical testing. Allele origin: germline. Affected: yes.
Comment: Not observed at significant frequency in large population cohorts (gnomAD); In silico analysis supports that this missense variant has a deleterious effect on protein structure/function; Has not been previously published as pathogenic or benign to our knowledge; De novo variant with confirmed parentage; however, the reported clinical features are only partially consistent with the features typically observed in individuals with pathogenic variants in this gene; This variant is associated with the following publications: (PMID: 9973297, 26297558)

Ambry Genetics
Classification: Uncertain significance for Inborn genetic diseases. Last evaluated: 2017-05-24. Review status: criteria provided, single submitter. Criteria: Ambry exome assertion method (8-5-2015). Collection method: clinical testing. Allele origin: germline. Affected: yes. Observed: 1 variant allele.

Literature cited by the submitters: PubMed 26297558 (cited by Ambry Genetics); PubMed 9973297 (cited by Ambry Genetics).